The following is an entry in ClinVar:

ClinVar aggregate classification (germline): Uncertain significance (1 of 4 stars; one submission).

Submission:

Dasa
Classification: Uncertain significance. Last evaluated: 2025-11-13. Review status: criteria provided, single submitter. Criteria: DASA Assertion Criteria. Collection method: clinical testing. Allele origin: germline.
Comment: NM_033118.4(MYLK2):c.277C>T (p.Pro93Ser) is a missense variant that results in the substitution of proline with serine. This variant is rare in population databases. Computational prediction algorithms are consistent with a benign effect. The currently available literature and clinical evidence are not sufficient to establish a definitive association between this variant and the reported condition. Therefore, this variant is classified as a variant of uncertain significance.

NM_033118.4(MYLK2):c.277C>T (p.Pro93Ser)

Gene: MYLK2 (myosin light chain kinase 2; plus strand). Cytogenetic location: 20q11.21.
Variant type: single nucleotide variant.
Coding change: c.277C>T on transcript NM_033118.4 (MANE Select); coding-DNA position 277, C replaced by T.
Protein change: p.Pro93Ser; replaces proline 93 with serine.
Molecular consequence: missense variant.
Genome position (GRCh38, 1-based): chr20:31,820,350, C>T. VCF-style: chr20-31820350-C-T. GRCh37 (hg19) VCF-style: chr20-30408153-C-T.
Other names: short protein forms P93S.
Identifiers: ClinVar variation 4883687 (VCV004883687.2).